The following is an entry in ClinVar:

ClinVar aggregate classification (germline): Uncertain significance (1 of 4 stars; one submission).

Allele frequency attached by ClinVar (database versions not stated): gnomAD exomes below 0.00001.
gnomAD v4.1: 2 of 1,611,346 alleles (0.00012%); highest among the groups gnomAD compares: Non-Finnish European, 0.000085%; no homozygotes.

Submission:

Ambry Genetics
Classification: Uncertain significance. Last evaluated: 2021-12-10. Review status: criteria provided, single submitter. Criteria: Ambry Variant Classification Scheme 2023. Collection method: clinical testing. Allele origin: germline.
Comment: The p.T43K variant (also known as c.128C>A), located in coding exon 2 of the RECQL gene, results from a C to A substitution at nucleotide position 128. The threonine at codon 43 is replaced by lysine, an amino acid with similar properties. This amino acid position is conserved. In addition, this alteration is predicted to be tolerated by in silico analysis. Since supporting evidence is limited at this time, the clinical significance of this alteration remains unclear.

NM_002907.4(RECQL):c.128C>A (p.Thr43Lys)

Gene: RECQL (RecQ like helicase; minus strand). Cytogenetic location: 12p12.1.
Variant type: single nucleotide variant.
Coding change: c.128C>A on transcript NM_002907.4 (MANE Select); coding-DNA position 128, C replaced by A.
Protein change: p.Thr43Lys; replaces threonine 43 with lysine.
Molecular consequence: missense variant.
Genome position (GRCh38, 1-based): chr12:21,491,605, G>T on the plus strand (C>A on the coding strand, the complement: RECQL is on the minus strand). VCF-style: chr12-21491605-G-T. GRCh37 (hg19) VCF-style: chr12-21644539-G-T.
Other names: c.128C>A, p.Thr43Lys (NM_032941.3); short protein forms T43K.
Identifiers: ClinVar variation 1769056 (VCV001769056.2), dbSNP rs1220432820, ClinGen allele CA384134502.